The following is an entry in ClinVar:

NM_006019.4(TCIRG1):c.922dup (p.Gln308fs)

Gene: TCIRG1 (T cell immune regulator 1, ATPase H+ transporting V0 subunit a3; plus strand). Cytogenetic location: 11q13.2.
Variant type: Duplication.
Coding change: c.922dup on transcript NM_006019.4 (MANE Select); coding-DNA position 922, one base duplicated (C; older notation c.922dupC).
Protein change: p.Gln308fs; shifts the reading frame from glutamine 308.
Molecular consequence: frameshift variant. On other transcripts: intron variant (4).
Genome position (GRCh38, 1-based): chr11:68,044,246, C duplicated; the last of 2 consecutive C bases (chr11:68,044,245-68,044,246); duplicating either gives the same sequence. VCF-style (leftmost placement, unchanged base first): chr11-68044244-A-AC. GRCh37 (hg19) VCF-style: chr11-67811711-A-AC.
Other names: c.28dup, p.Gln10fs (NM_001351059.2); c.922dup, p.Gln308fs (NM_001440552.1, NM_001440553.1, NM_001440554.1 and 2 more transcripts); c.880dup, p.Gln294fs (NM_001440555.1, NM_001440556.1, NM_001440563.1); c.709dup, p.Gln237fs (NM_001440561.1, NM_001440562.1, NM_001440566.1 and 1 more transcripts); c.667dup, p.Gln223fs (NM_001440564.1); c.622dup, p.Gln208fs (NM_001440565.1); c.274dup, p.Gln92fs (NM_006053.4); c.807+339dup (NM_001440559.1, NM_001440560.1); and 2 more; short protein forms Q10fs, Q208fs, Q223fs, Q237fs, Q294fs, Q308fs, Q92fs.
Identifiers: ClinVar variation 5013181 (VCV005013181.1).

ClinVar aggregate classification (germline): Pathogenic (1 of 4 stars; one submission).

Conditions:
Autosomal recessive osteopetrosis 1. Also called: ALBERS-SCHONBERG DISEASE, AUTOSOMAL RECESSIVE; TCIRG1-Related Autosomal Recessive Osteopetrosis; TCIRG1-Related Osteopetrosis. Identifiers: Orphanet 667, MedGen C1850127, MONDO:0009815, OMIM 259700.

Submission:

Myriad Genetics, Inc.
Classification: Pathogenic for Autosomal recessive osteopetrosis 1. Last evaluated: 2024-06-15. Review status: criteria provided, single submitter. Criteria: Myriad Autosomal Dominant, Autosomal Recessive and X-Linked Classification Criteria (2023). Collection method: clinical testing. Allele origin: unknown.
Comment: NM_006019.3(TCIRG1):c.922dupC(Q308Pfs*182) is expected to be pathogenic in the context of autosomal recessive osteopetrosis type 1. This variant is predicted to lead to an abnormal or absent protein product due to the creation of a premature termination codon in TCIRG1, a gene where loss-of-function variants are known to be pathogenic. Please note: this variant was assessed in the context of healthy population screening.